The following is an entry in ClinVar:

ClinVar aggregate classification (germline): Likely benign. Review status: criteria provided, multiple submitters, no conflicts (2 of 4 stars). 2 submissions from 2 submitters: Likely benign (2). Last evaluated 2023-10-18.

Submissions (2):

Blueprint Genetics
Classification: Likely benign. Last evaluated: 2023-10-18. Review status: criteria provided, single submitter. Criteria: ACMG Guidelines, 2015. Collection method: clinical testing. Allele origin: germline.

CeGaT Center for Human Genetics Tuebingen
Classification: Likely benign. Last evaluated: 2022-10-01. Review status: criteria provided, single submitter. Criteria: CeGaT Center For Human Genetics Tuebingen Variant Classification Criteria Version 2. Collection method: clinical testing. Allele origin: germline. Affected: yes. Observed: 1 variant allele.
Comment: CACNA1B: BP4, BP7

NM_000718.4(CACNA1B):c.42C>T (p.Gly14=)

Genes: CACNA1B (calcium voltage-gated channel subunit alpha1 B; plus strand), CACNA1B-AS2 (CACNA1B antisense RNA 2; minus strand). Cytogenetic location: 9q34.3.
Variant type: single nucleotide variant.
Coding change: c.42C>T on transcript NM_000718.4 (MANE Select); coding-DNA position 42, C replaced by T.
Protein change: p.Gly14=; no amino-acid change (glycine 14 retained).
Molecular consequence: synonymous variant.
Genome position (GRCh38, 1-based): chr9:137,877,975, C>T. VCF-style: chr9-137877975-C-T. GRCh37 (hg19) VCF-style: chr9-140772427-C-T.
Other names: c.42C>T, p.Gly14= (NM_001243812.2).
Identifiers: ClinVar variation 2659843 (VCV002659843.25), dbSNP rs1956856418, ClinGen allele CA467887796.